The following is an entry in ClinVar:

NM_001330260.2(SCN8A):c.2620G>T (p.Ala874Ser)

Gene: SCN8A (sodium voltage-gated channel alpha subunit 8; plus strand). Cytogenetic location: 12q13.13.
Variant type: single nucleotide variant.
Coding change: c.2620G>T on transcript NM_001330260.2 (MANE Select); coding-DNA position 2620, G replaced by T.
Protein change: p.Ala874Ser; replaces alanine 874 with serine.
Molecular consequence: missense variant.
Genome position (GRCh38, 1-based): chr12:51,765,746, G>T. VCF-style: chr12-51765746-G-T. GRCh37 (hg19) VCF-style: chr12-52159530-G-T.
Other names: c.2620G>T, p.Ala874Ser (NM_001177984.3, NM_001369788.1, NM_014191.4); short protein forms A874S.
Identifiers: ClinVar variation 393169 (VCV000393169.15), dbSNP rs1057524820, ClinGen allele CA16607341.

ClinVar aggregate classification (germline): Conflicting classifications of pathogenicity. Review status: criteria provided, conflicting classifications (1 of 4 stars). 4 submissions from 4 submitters: Pathogenic (1); Likely pathogenic (2); Uncertain significance (1). Last evaluated 2026-01-26.

Conditions:
Developmental and epileptic encephalopathy, 13 (DEE13). Also called: SCN8A-Related Epilepsy; Early infantile epileptic encephalopathy 13; Developmental and Epileptic Encephalopathy (SCN8A-DEE). Identifiers: Orphanet 442835, MedGen C3281191, MONDO:0013801, OMIM 614558.
Early-infantile DEE. Also called: Early infantile epileptic encephalopathy; Early infantile epileptic encephalopathy with suppression bursts; Ohtahara syndrome. Identifiers: Orphanet 1934, MedGen C0393706, MONDO:0800491.

Submissions (4):

3billion
Classification: Likely pathogenic for Developmental and epileptic encephalopathy, 13. Last evaluated: 2026-01-26. Review status: criteria provided, single submitter. Criteria: ACMG Guidelines, 2015. Collection method: clinical testing. Allele origin: germline. Affected: yes.
Comment: The variant is not observed in the gnomAD v4.1.0 dataset. Predicted Consequence/Location: Missense variant In silico tool predictions suggest damaging effect of the variant on gene or gene product [REVEL: 0.80 (>=0.6, sensitivity 0.68 and specificity 0.92); 3Cnet: 0.99 (> 0.75, sensitivity 0.96 and precision 0.92)]. The same nucleotide change resulting in the same amino acid change has been previously reported as pathogenic/likely pathogenic with strong evidence (ClinVar ID: VCV000393169 /3billion dataset). A different missense change at the same codon (p.Ala874Thr) has been reported as pathogenic/likely pathogenic with strong evidence (ClinVar ID: VCV000495260 /PMID: 31780880 /3billion dataset). Therefore, this variant is classified as Likely pathogenic according to the recommendation of ACMG/AMP guideline.

GeneDx
Classification: Pathogenic. Last evaluated: 2025-07-24. Review status: criteria provided, single submitter. Criteria: GeneDx Variant Classification Process June 2021. Collection method: clinical testing. Allele origin: germline. Affected: yes.
Comment: Not observed at significant frequency in large population cohorts (gnomAD); In silico analysis supports that this missense variant has a deleterious effect on protein structure/function; This substitution is predicted to be within the transmembrane segment S5 of the second homologous domain; This variant is associated with the following publications: (PMID: 34979445, 34431999)

Labcorp Genetics (formerly Invitae), Labcorp
Classification: Uncertain significance for Early-infantile DEE. Last evaluated: 2020-04-01. Review status: criteria provided, single submitter. Criteria: Invitae Variant Classification Sherloc (09022015). Collection method: clinical testing. Allele origin: germline.
Comment: In summary, the available evidence is currently insufficient to determine the role of this variant in disease. Therefore, it has been classified as a Variant of Uncertain Significance. Algorithms developed to predict the effect of missense changes on protein structure and function are either unavailable or do not agree on the potential impact of this missense change (SIFT: "Deleterious"; PolyPhen-2: "Probably Damaging"; Align-GVGD: "Class C0"). This variant has not been reported in the literature in individuals with SCN8A-related conditions. ClinVar contains an entry for this variant (Variation ID: 393169). This variant is not present in population databases (ExAC no frequency). This sequence change replaces alanine with serine at codon 874 of the SCN8A protein (p.Ala874Ser). The alanine residue is highly conserved and there is a moderate physicochemical difference between alanine and serine.

Institute of Human Genetics, University of Leipzig Medical Center
Classification: Likely pathogenic for Developmental and epileptic encephalopathy, 13. Last evaluated: 2017-05-10. Review status: criteria provided, single submitter. Criteria: ACMG Guidelines, 2015. Collection method: clinical testing. Allele origin: germline. Affected: yes. Observed: 1 variant allele.

Literature cited by the submitters: PubMed 31780880 (cited by 3billion).